The following is an entry in ClinVar:

ClinVar aggregate classification (germline): Uncertain significance (1 of 4 stars; one submission).

Submission:

Labcorp Genetics (formerly Invitae), Labcorp
Classification: Uncertain significance. Last evaluated: 2021-08-23. Review status: criteria provided, single submitter. Criteria: Invitae Variant Classification Sherloc (09022015). Collection method: clinical testing. Allele origin: germline.
Comment: This sequence change replaces lysine with glutamic acid at codon 297 of the PDE6C protein (p.Lys297Glu). The lysine residue is highly conserved and there is a small physicochemical difference between lysine and glutamic acid. This variant is not present in population databases (ExAC no frequency). In summary, the available evidence is currently insufficient to determine the role of this variant in disease. Therefore, it has been classified as a Variant of Uncertain Significance. Algorithms developed to predict the effect of missense changes on protein structure and function are either unavailable or do not agree on the potential impact of this missense change (SIFT: "Deleterious"; PolyPhen-2: "Possibly Damaging"; Align-GVGD: "Class C0"). This variant has not been reported in the literature in individuals affected with PDE6C-related conditions.

NM_006204.4(PDE6C):c.889A>G (p.Lys297Glu)

Gene: PDE6C (phosphodiesterase 6C; plus strand). Cytogenetic location: 10q23.33.
Variant type: single nucleotide variant.
Coding change: c.889A>G on transcript NM_006204.4 (MANE Select); coding-DNA position 889, A replaced by G.
Protein change: p.Lys297Glu; replaces lysine 297 with glutamic acid.
Molecular consequence: missense variant.
Genome position (GRCh38, 1-based): chr10:93,625,599, A>G. VCF-style: chr10-93625599-A-G. GRCh37 (hg19) VCF-style: chr10-95385356-A-G.
Other names: short protein forms K297E.
Identifiers: ClinVar variation 1476899 (VCV001476899.5), dbSNP rs2134598370, ClinGen allele CA377630688.